The following is an entry in ClinVar:

ClinVar aggregate classification (germline): Conflicting classifications of pathogenicity. Review status: criteria provided, conflicting classifications (1 of 4 stars). 2 submissions from 2 submitters: Uncertain significance (1); Likely benign (1). Last evaluated 2026-09-21.

Conditions:
Adams-Oliver syndrome 5 (AOS5). Identifiers: Orphanet 974, MedGen C4014970, MONDO:0014459, OMIM 616028.

Allele frequency attached by ClinVar (database versions not stated): gnomAD 0.00001; TOPMed 0.00001; gnomAD exomes 0.00002.
gnomAD v4.1: 9 of 1,612,392 alleles (0.00056%); highest among the groups gnomAD compares: South Asian, 0.0033%; no homozygotes.

Submissions (2):

GeneDx
Classification: Uncertain significance. Last evaluated: 2026-09-21. Review status: criteria provided, single submitter. Criteria: GeneDx Variant Classification Process June 2021. Collection method: clinical testing. Allele origin: germline.
Comment: Has not been previously published as pathogenic or benign to our knowledge; Not observed at significant frequency in large population cohorts (gnomAD); In silico analysis supports that this missense variant has a deleterious effect on protein structure/function

Labcorp Genetics (formerly Invitae), Labcorp
Classification: Likely benign for Adams-Oliver syndrome 5. Last evaluated: 2024-07-27. Review status: criteria provided, single submitter. Criteria: Invitae Variant Classification Sherloc (09022015). Collection method: clinical testing. Allele origin: germline.

NM_017617.5(NOTCH1):c.5608G>A (p.Asp1870Asn)

Gene: NOTCH1 (notch receptor 1; minus strand). Cytogenetic location: 9q34.3.
Variant type: single nucleotide variant.
Coding change: c.5608G>A on transcript NM_017617.5 (MANE Select); coding-DNA position 5608, G replaced by A.
Protein change: p.Asp1870Asn; replaces aspartic acid 1870 with asparagine.
Molecular consequence: missense variant.
Genome position (GRCh38, 1-based): chr9:136,501,778, C>T on the plus strand (G>A on the coding strand, the complement: NOTCH1 is on the minus strand). VCF-style: chr9-136501778-C-T. GRCh37 (hg19) VCF-style: chr9-139396230-C-T.
Other names: short protein forms D1870N.
Identifiers: ClinVar variation 966738 (VCV000966738.12), dbSNP rs1313068805, ClinGen allele CA375638964.